The following is an entry in ClinVar:

NM_005120.3(MED12):c.1070C>T (p.Pro357Leu)

Gene: MED12 (mediator complex subunit 12; plus strand). Cytogenetic location: Xq13.1.
Variant type: single nucleotide variant.
Coding change: c.1070C>T on transcript NM_005120.3 (MANE Select); coding-DNA position 1070, C replaced by T.
Protein change: p.Pro357Leu; replaces proline 357 with leucine.
Molecular consequence: missense variant.
Genome position (GRCh38, 1-based): chrX:71,121,785, C>T. VCF-style: chrX-71121785-C-T. GRCh37 (hg19) VCF-style: chrX-70341635-C-T.
Other names: short protein forms P357L.
Identifiers: ClinVar variation 1311287 (VCV001311287.2), dbSNP rs2147780460, ClinGen allele CA413505237.
Genomic context (GRCh38, chrX:71,121,785, plus strand): 5'-CAACTAGCAGCACACCCTCGACTCCCTTTAGTGACCTGCTTATGTGCCCTCAGCACCGGC[C>T]CCTGGTTTTTGGCCTCAGCTGTATCCTACAGGTAGGTACTAGGCGGGCCCAAGGAAGCAT-3'
Protein context (NP_005111.2, residues 347-367): SDLLMCPQHR[Pro357Leu]LVFGLSCILQ

ClinVar aggregate classification (germline): Uncertain significance (1 of 4 stars; one submission).

gnomAD v4.1: 1 of 1,212,011 alleles (0.000083%); highest among the groups gnomAD compares: Admixed American, 0.0022%; no homozygotes.

Submission:

GeneDx
Classification: Uncertain significance. Last evaluated: 2020-01-16. Review status: criteria provided, single submitter. Criteria: GeneDx Variant Classification Process June 2021. Collection method: clinical testing. Allele origin: germline. Affected: yes.
Comment: Not observed in large population cohorts (Lek et al., 2016); In silico analysis, which includes protein predictors and evolutionary conservation, supports a deleterious effect; Has not been previously published as pathogenic or benign to our knowledge